The following is an entry in ClinVar:

NM_004588.5(SCN2B):c.251G>A (p.Arg84His)

Gene: SCN2B (sodium voltage-gated channel beta subunit 2; minus strand). Cytogenetic location: 11q23.3.
Variant type: single nucleotide variant.
Coding change: c.251G>A on transcript NM_004588.5 (MANE Select); coding-DNA position 251, G replaced by A.
Protein change: p.Arg84His; replaces arginine 84 with histidine.
Molecular consequence: missense variant.
Genome position (GRCh38, 1-based): chr11:118,168,282, C>T on the plus strand (G>A on the coding strand, the complement: SCN2B is on the minus strand). VCF-style: chr11-118168282-C-T. GRCh37 (hg19) VCF-style: chr11-118038997-C-T.
Other names: short protein forms R84H.
Identifiers: ClinVar variation 408878 (VCV000408878.12), dbSNP rs201460753, ClinGen allele CA6300492.

ClinVar aggregate classification (germline): Conflicting classifications of pathogenicity. Review status: criteria provided, conflicting classifications (1 of 4 stars). 3 submissions from 3 submitters: Uncertain significance (2); Likely benign (1). Last evaluated 2026-05-08.

Conditions:
Cardiovascular phenotype. Identifiers: MedGen CN230736.
Atrial fibrillation, familial, 14 (ATFB14). Identifiers: MedGen C3809312, MONDO:0014156, OMIM 615378.

Allele frequency attached by ClinVar (database versions not stated): gnomAD 0.00001; TOPMed 0.00003; ExAC 0.00004; gnomAD exomes 0.00005; ESP Exome Variant Server 0.00008.
gnomAD v4.1: 71 of 1,613,990 alleles (0.0044%); highest among the groups gnomAD compares: South Asian, 0.0055%; no homozygotes.

Submissions (3):

Women's Health and Genetics/Laboratory Corporation of America, LabCorp
Classification: Likely benign. Last evaluated: 2026-05-08. Review status: criteria provided, single submitter. Criteria: LabCorp Variant Classification Summary - May 2015. Collection method: clinical testing. Allele origin: germline.

Labcorp Genetics (formerly Invitae), Labcorp
Classification: Uncertain significance for Atrial fibrillation, familial, 14. Last evaluated: 2026-01-05. Review status: criteria provided, single submitter. Criteria: Invitae Variant Classification Sherloc (09022015). Collection method: clinical testing. Allele origin: germline.
Comment: This sequence change replaces arginine, which is basic and polar, with histidine, which is basic and polar, at codon 84 of the SCN2B protein (p.Arg84His). This variant is present in population databases (rs201460753, gnomAD 0.006%). This variant has not been reported in the literature in individuals affected with SCN2B-related conditions. ClinVar contains an entry for this variant (Variation ID: 408878). An algorithm developed to predict the effect of missense changes on protein structure and function (PolyPhen-2) suggests that this variant is likely to be tolerated. In summary, the available evidence is currently insufficient to determine the role of this variant in disease. Therefore, it has been classified as a Variant of Uncertain Significance.

Ambry Genetics
Classification: Uncertain significance for Cardiovascular phenotype. Last evaluated: 2025-08-11. Review status: criteria provided, single submitter. Criteria: Ambry Variant Classification Scheme 2023. Collection method: clinical testing. Allele origin: germline.